The following is an entry in ClinVar:

NM_000231.3(SGCG):c.250T>A (p.Ser84Thr)

Gene: SGCG (sarcoglycan gamma; plus strand). Cytogenetic location: 13q12.12.
Variant type: single nucleotide variant.
Coding change: c.250T>A on transcript NM_000231.3 (MANE Select); coding-DNA position 250, T replaced by A.
Protein change: p.Ser84Thr; replaces serine 84 with threonine.
Molecular consequence: missense variant.
Genome position (GRCh38, 1-based): chr13:23,234,665, T>A. VCF-style: chr13-23234665-T-A. GRCh37 (hg19) VCF-style: chr13-23808804-T-A.
Other names: c.304T>A, p.Ser102Thr (NM_001378244.1); c.250T>A, p.Ser84Thr (NM_001378245.1, NM_001378246.1); short protein forms S84T, S102T.
Identifiers: ClinVar variation 596439 (VCV000596439.8), dbSNP rs1566011041, ClinGen allele CA387506571.

ClinVar aggregate classification (germline): Uncertain significance. Review status: criteria provided, multiple submitters, no conflicts (2 of 4 stars). 2 submissions from 2 submitters: Uncertain significance (2). Last evaluated 2023-01-05.

Conditions:
Autosomal recessive limb-girdle muscular dystrophy type 2C (LGMDR5). Also called: MUSCULAR DYSTROPHY, LIMB-GIRDLE, AUTOSOMAL RECESSIVE 5; MUSCULAR DYSTROPHY, DUCHENNE-LIKE. Identifiers: Orphanet 353, MedGen C0410173, MONDO:0009677, OMIM 253700. Disease mechanism: Affects gamma-sarcoglycan and also disrupts the integrity of the entire sarcoglycan complex..

Submissions (2):

Labcorp Genetics (formerly Invitae), Labcorp
Classification: Uncertain significance for Autosomal recessive limb-girdle muscular dystrophy type 2C. Last evaluated: 2023-01-05. Review status: criteria provided, single submitter. Criteria: Invitae Variant Classification Sherloc (09022015). Collection method: clinical testing. Allele origin: germline.
Comment: This variant is not present in population databases (gnomAD no frequency). In summary, the available evidence is currently insufficient to determine the role of this variant in disease. Therefore, it has been classified as a Variant of Uncertain Significance. Advanced modeling of protein sequence and biophysical properties (such as structural, functional, and spatial information, amino acid conservation, physicochemical variation, residue mobility, and thermodynamic stability) performed at Invitae indicates that this missense variant is not expected to disrupt SGCG protein function. ClinVar contains an entry for this variant (Variation ID: 596439). This variant has not been reported in the literature in individuals affected with SGCG-related conditions. This sequence change replaces serine, which is neutral and polar, with threonine, which is neutral and polar, at codon 84 of the SGCG protein (p.Ser84Thr).

Eurofins Ntd Llc (ga)
Classification: Uncertain significance. Last evaluated: 2018-03-19. Review status: criteria provided, single submitter. Criteria: EGL ClinVar v180209 classification definitions. Collection method: clinical testing. Allele origin: germline. Observed: 1 variant allele, 1 heterozygote.